The following is an entry in ClinVar:

NM_198428.3(BBS9):c.1560G>A (p.Pro520=)

Gene: BBS9 (Bardet-Biedl syndrome 9; plus strand). Cytogenetic location: 7p14.3.
Variant type: single nucleotide variant.
Coding change: c.1560G>A on transcript NM_198428.3 (MANE Select); coding-DNA position 1560, G replaced by A.
Protein change: p.Pro520=; no amino-acid change (proline 520 retained).
Molecular consequence: synonymous variant. On other transcripts: non-coding transcript variant (3).
Genome position (GRCh38, 1-based): chr7:33,357,862, G>A. VCF-style: chr7-33357862-G-A. GRCh37 (hg19) VCF-style: chr7-33397474-G-A.
Other names: c.1455G>A, p.Pro485= (NM_001033604.2); c.1545G>A, p.Pro515= (NM_001033605.2); c.1560G>A, p.Pro520= (NM_001348036.1, NM_001348041.4, NM_001348043.3 and 1 more transcripts); c.1194G>A, p.Pro398= (NM_001348037.3, NM_001348045.3, NM_001348046.3); c.1287G>A, p.Pro429= (NM_001348038.3); c.1182G>A, p.Pro394= (NM_001348039.3); c.1440G>A, p.Pro480= (NM_001348040.3, NM_014451.4); c.1425G>A, p.Pro475= (NM_001348042.3); and 1 more.
Identifiers: ClinVar variation 704326 (VCV000704326.13), dbSNP rs779586578, ClinGen allele CA4214431.
Genomic context (GRCh38, chr7:33,357,862, plus strand): 5'-TTGCCAAATTATTTGTCAAGTCTATGAATCTACATATCTCTCTTTTATTTTAGGCATTCC[G>A]CGAGTTATCCAATGTAAATTTAGACTTCCCCTAAAGTTAATTTGCCTACCAGGTCAGCCT-3'
Protein context (NP_940820.1, residues 510-530): RPTDRNPDGI[Pro520=]RVIQCKFRLP

ClinVar aggregate classification (germline): Likely benign. Review status: criteria provided, multiple submitters, no conflicts (2 of 4 stars). 4 submissions from 4 submitters: Likely benign (3). 1 of the submissions does not count toward it. Last evaluated 2026-01-08.

Conditions:
Bardet-Biedl syndrome 9 (BBS9). Identifiers: Orphanet 110, MedGen C1859567, MONDO:0014437, OMIM 615986.
BBS9-related disorder. Also called: BBS9-related condition.
Bardet-Biedl syndrome (BBS). Identifiers: Orphanet 110, MedGen C0752166, MONDO:0015229.

Allele frequency attached by ClinVar (database versions not stated): gnomAD exomes 0.00001 and 0.00002; ExAC 0.00001; gnomAD 0.00005 and 0.00006; TOPMed 0.00014.
gnomAD v4.1: 26 of 1,611,532 alleles (0.0016%); highest among the groups gnomAD compares: Admixed American, 0.017%; no homozygotes.

Submissions (4):

Labcorp Genetics (formerly Invitae), Labcorp
Classification: Likely benign for Bardet-Biedl syndrome. Last evaluated: 2026-01-08. Review status: criteria provided, single submitter. Criteria: Invitae Variant Classification Sherloc (09022015). Collection method: clinical testing. Allele origin: germline.

Fulgent Genetics
Classification: Likely benign for Bardet-Biedl syndrome 9. Last evaluated: 2021-08-30. Review status: criteria provided, single submitter. Criteria: ACMG Guidelines, 2015. Collection method: clinical testing. Allele origin: unknown.

Breakthrough Genomics
Classification: Likely benign. Review status: criteria provided, single submitter. Criteria: ACMG Guidelines, 2015. Collection method: not provided. Allele origin: germline. Inheritance: Autosomal recessive inheritance. Affected: yes.

PreventionGenetics, part of Exact Sciences
Classification: Likely benign for BBS9-related condition. Last evaluated: 2021-04-16. Review status: no assertion criteria provided. Collection method: clinical testing. Allele origin: germline. Not counted in ClinVar's aggregate classification.
Comment: This variant is classified as likely benign based on ACMG/AMP sequence variant interpretation guidelines (Richards et al. 2015 PMID: 25741868, with internal and published modifications).